The following is an entry in ClinVar:

NM_022095.4(ZNF335):c.793C>T (p.Arg265Trp)

Gene: ZNF335 (zinc finger protein 335; minus strand). Cytogenetic location: 20q13.12.
Variant type: single nucleotide variant.
Coding change: c.793C>T on transcript NM_022095.4 (MANE Select); coding-DNA position 793, C replaced by T.
Protein change: p.Arg265Trp; replaces arginine 265 with tryptophan.
Molecular consequence: missense variant.
Genome position (GRCh38, 1-based): chr20:45,967,755, G>A on the plus strand (C>T on the coding strand, the complement: ZNF335 is on the minus strand). VCF-style: chr20-45967755-G-A. GRCh37 (hg19) VCF-style: chr20-44596394-G-A.
Other names: short protein forms R265W.
Identifiers: ClinVar variation 2145531 (VCV002145531.4), dbSNP rs549713160, ClinGen allele CA9885980.

ClinVar aggregate classification (germline): Uncertain significance (1 of 4 stars; one submission).

Allele frequency attached by ClinVar (database versions not stated): ExAC 0.00001; gnomAD exomes 0.00001; TOPMed 0.00003; gnomAD 0.00004.
gnomAD v4.1: 28 of 1,611,832 alleles (0.0017%); highest among the groups gnomAD compares: Middle Eastern, 0.033%; no homozygotes.

Submission:

Labcorp Genetics (formerly Invitae), Labcorp
Classification: Uncertain significance. Last evaluated: 2024-10-21. Review status: criteria provided, single submitter. Criteria: Invitae Variant Classification Sherloc (09022015). Collection method: clinical testing. Allele origin: germline.
Comment: This sequence change replaces arginine, which is basic and polar, with tryptophan, which is neutral and slightly polar, at codon 265 of the ZNF335 protein (p.Arg265Trp). This variant is present in population databases (rs549713160, gnomAD 0.01%). This variant has not been reported in the literature in individuals affected with ZNF335-related conditions. ClinVar contains an entry for this variant (Variation ID: 2145531). Invitae Evidence Modeling of protein sequence and biophysical properties (such as structural, functional, and spatial information, amino acid conservation, physicochemical variation, residue mobility, and thermodynamic stability) indicates that this missense variant is not expected to disrupt ZNF335 protein function with a negative predictive value of 80%. In summary, the available evidence is currently insufficient to determine the role of this variant in disease. Therefore, it has been classified as a Variant of Uncertain Significance.